The following is an entry in ClinVar:

ClinVar aggregate classification (germline): Benign/Likely benign. Review status: criteria provided, multiple submitters, no conflicts (2 of 4 stars). 9 submissions from 6 submitters: Benign (5); Likely benign (4). Last evaluated 2026-09-21.

Conditions:
Autosomal recessive limb-girdle muscular dystrophy type 2J (LGMDR10). Also called: MUSCULAR DYSTROPHY, LIMB-GIRDLE, AUTOSOMAL RECESSIVE 10; Limb-girdle muscular dystrophy, type 2J. Identifiers: Orphanet 140922, MedGen C1837342, MONDO:0012127, OMIM 608807.
Dilated cardiomyopathy 1G (CMD1G). Identifiers: Orphanet 154, MedGen C1858763, MONDO:0011400, OMIM 604145.
Tibial muscular dystrophy (TMD). Also called: Tibial muscular dystrophy, tardive; Udd Distal Myopathy – Tibial Muscular Dystrophy; UDD MYOPATHY. Identifiers: Orphanet 609, MedGen C1838244, MONDO:0010870, OMIM 600334.
Early-onset myopathy with fatal cardiomyopathy (CMYO5). Also called: CONGENITAL MYOPATHY 5 WITH CARDIOMYOPATHY; Salih Myopathy. Identifiers: Orphanet 289377, MedGen C2673677, MONDO:0012714, OMIM 611705. Disease mechanism: loss of function.
Myopathy, myofibrillar, 9, with early respiratory failure (MFM9). Also called: EDSTROM MYOPATHY; Myopathy, distal, with early respiratory failure, autosomal dominant; Hereditary myopathy with early respiratory failure; MYOPATHY, PROXIMAL, WITH EARLY RESPIRATORY MUSCLE INVOLVEMENT. Identifiers: Orphanet 178464, Orphanet 34521, MedGen C1863599, MONDO:0011362, OMIM 603689.

Submissions (9):

Molecular Diagnostic Laboratory for Inherited Cardiovascular Disease, Montreal Heart Institute
Classification: Likely benign. Last evaluated: 2026-09-21. Review status: criteria provided, single submitter. Criteria: ACMG Guidelines, 2015. Collection method: clinical testing. Allele origin: germline. Affected: no.
Comment: BS1

Labcorp Genetics (formerly Invitae), Labcorp
Classification: Likely benign for Dilated cardiomyopathy 1G; Autosomal recessive limb-girdle muscular dystrophy type 2J. Last evaluated: 2026-01-26. Review status: criteria provided, single submitter. Criteria: Invitae Variant Classification Sherloc (09022015). Collection method: clinical testing. Allele origin: germline.

Women's Health and Genetics/Laboratory Corporation of America, LabCorp
Classification: Likely benign. Last evaluated: 2025-07-21. Review status: criteria provided, single submitter. Criteria: LabCorp Variant Classification Summary - May 2015. Collection method: clinical testing. Allele origin: germline.
Comment: Variant summary: TTN c.35777-9dupT alters a nucleotide located at a position not widely known to affect splicing. Consensus agreement among computation tools predict no significant impact on normal splicing. However, these predictions have yet to be confirmed by functional studies. The frequency data for this variant in gnomAD is considered unreliable, as metrics indicate poor data quality at this position. To our knowledge, no occurrence of c.35777-9dupT in individuals affected with Dilated Cardiomyopathy and no experimental evidence demonstrating its impact on protein function have been reported. ClinVar contains an entry for this variant (Variation ID: 179050). Based on the evidence outlined above, the variant was classified as likely benign.

Genome-Nilou Lab
Classification: Benign for Autosomal recessive limb-girdle muscular dystrophy type 2J. Last evaluated: 2021-09-10. Review status: criteria provided, single submitter. Criteria: ACMG Guidelines, 2015. Collection method: clinical testing. Allele origin: germline. Affected: no.

Genome-Nilou Lab
Classification: Benign for Myopathy, myofibrillar, 9, with early respiratory failure. Last evaluated: 2021-09-10. Review status: criteria provided, single submitter. Criteria: ACMG Guidelines, 2015. Collection method: clinical testing. Allele origin: germline. Affected: no.

Genome-Nilou Lab
Classification: Benign for Early-onset myopathy with fatal cardiomyopathy. Last evaluated: 2021-09-10. Review status: criteria provided, single submitter. Criteria: ACMG Guidelines, 2015. Collection method: clinical testing. Allele origin: germline. Affected: no.

Genome-Nilou Lab
Classification: Benign for Tibial muscular dystrophy. Last evaluated: 2021-09-10. Review status: criteria provided, single submitter. Criteria: ACMG Guidelines, 2015. Collection method: clinical testing. Allele origin: germline. Affected: no.

GeneDx
Classification: Likely benign. Last evaluated: 2020-12-18. Review status: criteria provided, single submitter. Criteria: GeneDx Variant Classification Process June 2021. Collection method: clinical testing. Allele origin: germline. Affected: yes.

Laboratory for Molecular Medicine, Mass General Brigham Personalized Medicine
Classification: Benign. Last evaluated: 2014-01-22. Review status: criteria provided, single submitter. Criteria: LMM Criteria. Collection method: clinical testing. Allele origin: germline. Observed: 1 variant allele.
Comment: 35777-9_35777-8insT in intron 185 of TTN: This variant is not expected to have clinical significance because it does not alter the splice consensus sequence an d has been identified in 0.5% (57/11282) of European American and African Americ an chromosomes by the NHLBI Exome Sequencing Project (du/EVS/). 35777-9_35777-8insT in intron 185 of TTN (allele frequency = 0.5%, 5 7/11282) **

NM_133378.4(TTN):c.35777-16dup

Gene: TTN (titin; minus strand). Cytogenetic location: 2q31.2.
Variant type: Duplication.
Coding change: c.35777-16dup on transcript NM_133378.4; 16 bases into the intron before coding-DNA position 35777, one base duplicated (T; older notation c.35777-16dupT).
Molecular consequence: intron variant.
Genome position (GRCh38, 1-based): chr2:178,632,422, A duplicated on the plus strand (T on the coding strand, the reverse complement: TTN is on the minus strand); the first of 8 consecutive A bases (chr2:178,632,422-178,632,429); duplicating any one gives the same sequence. VCF-style (leftmost placement, unchanged base first): chr2-178632421-G-GA. GRCh37 (hg19) VCF-style: chr2-179497148-G-GA.
Other names: c.43481-9dup (NM_001267550.2); c.43481-9dupT (NM_001267550.2); c.38558-9dupT (NM_001256850.1); c.16286-16dup (NM_003319.4); c.16862-16dup (NM_133437.4); c.16661-16dup (NM_133432.3); c.38558-16dup (NM_001256850.1); c.43481-16dup (NM_001267550.2); and 1 more.
Identifiers: ClinVar variation 179050 (VCV000179050.21), dbSNP rs730880350, ClinGen allele CA183621.